The following is an entry in ClinVar:

NM_006767.4(LZTR1):c.2070-3C>G

Gene: LZTR1 (leucine zipper like post translational regulator 1; plus strand). Cytogenetic location: 22q11.21.
Variant type: single nucleotide variant.
Coding change: c.2070-3C>G on transcript NM_006767.4 (MANE Select); 3 bases into the intron before coding-DNA position 2070, C replaced by G.
Molecular consequence: intron variant.
Genome position (GRCh38, 1-based): chr22:20,995,960, C>G. VCF-style: chr22-20995960-C-G. GRCh37 (hg19) VCF-style: chr22-21350249-C-G.
Identifiers: ClinVar variation 5023805 (VCV005023805.1).
Genomic context (GRCh38, chr22:20,995,960, plus strand): 5'-GGTGGGCCTGGATGGTGTCTTCGTTCTGCTGACGGCCAGGTGCCTACCGCTCGTTGTCTG[C>G]AGCTACTTTGAAGCCATGTTCCGGTCCTTCATGCCCGAAGATGGGCAGGTGAACATCTCC-3'

ClinVar aggregate classification (germline): Uncertain significance (1 of 4 stars; one submission).

Conditions:
Cardiovascular phenotype. Identifiers: MedGen CN230736.
Hereditary cancer-predisposing syndrome. Also called: Neoplastic Syndromes, Hereditary; Tumor predisposition; Hereditary neoplastic syndrome; Hereditary Cancer Syndrome. Identifiers: Orphanet 140162, MedGen C0027672, MeSH D009386, MONDO:0015356.

gnomAD v4.1: 3 of 1,613,690 alleles (0.00019%); highest among the groups gnomAD compares: Non-Finnish European, 0.00025%; no homozygotes.

Submission:

Ambry Genetics
Classification: Uncertain significance for Cardiovascular phenotype; Hereditary cancer-predisposing syndrome. Last evaluated: 2026-09-02. Review status: criteria provided, single submitter. Criteria: Ambry Variant Classification Scheme 2023. Collection method: clinical testing. Allele origin: germline.
Comment: The c.2070-3C>G intronic variant results from a C to G substitution 3 nucleotides upstream from coding exon 18 in the LZTR1 gene. This nucleotide position is well conserved in available vertebrate species. In silico splice site analysis predicts that this alteration may weaken the native splice acceptor site and may result in the creation or strengthening of a novel splice acceptor site. Based on the available evidence, the clinical significance of this variant remains unclear.